The following is an entry in ClinVar:

ClinVar aggregate classification (germline): Uncertain significance. Review status: criteria provided, multiple submitters, no conflicts (2 of 4 stars). 4 submissions from 4 submitters: Uncertain significance (4). Last evaluated 2025-03-17.

Conditions:
Inborn genetic diseases. Identifiers: MedGen C0950123, MeSH D030342.
Autosomal dominant nonsyndromic hearing loss 6 (LFSNHL). Also called: DEAFNESS, AUTOSOMAL DOMINANT 6; DEAFNESS, AUTOSOMAL DOMINANT 14; DEAFNESS, AUTOSOMAL DOMINANT 38; Autosomal dominant nonsyndromic deafness 6. Identifiers: Orphanet 90635, MedGen C1833021, MONDO:0010963, OMIM 600965.
Type 2 diabetes mellitus. Also called: Type II diabetes mellitus. Identifiers: MedGen C0011860, MeSH D003924, MONDO:0005148, OMIM 125853, HP:0005978.
Wolfram-like syndrome. Also called: HEARING LOSS, PROGRESSIVE, WITH OPTIC ATROPHY AND/OR IMPAIRED GLUCOSE REGULATION. Identifiers: Orphanet 411590, MedGen C3280358, MONDO:0013673, OMIM 614296.
Wolfram syndrome 1 (WFS1). Identifiers: Orphanet 3463, MedGen C4551693, MONDO:0009101, OMIM 222300.
Cataract 41 (CTRCT41). Also called: CATARACT 41, CONGENITAL NUCLEAR TYPE. Identifiers: Orphanet 91492, Orphanet 98991, Orphanet 98992, Orphanet 98995, MedGen C3805412, MONDO:0007287, OMIM 116400.

gnomAD v4.1: 23 of 1,612,684 alleles (0.0014%); highest among the groups gnomAD compares: Admixed American, 0.0067%; no homozygotes.

Submissions (4):

Labcorp Genetics (formerly Invitae), Labcorp
Classification: Uncertain significance. Last evaluated: 2025-03-17. Review status: criteria provided, single submitter. Criteria: Invitae Variant Classification Sherloc (09022015). Collection method: clinical testing. Allele origin: germline.
Comment: This sequence change replaces glutamic acid, which is acidic and polar, with lysine, which is basic and polar, at codon 751 of the WFS1 protein (p.Glu751Lys). This variant is present in population databases (rs147465252, gnomAD 0.01%). This variant has not been reported in the literature in individuals affected with WFS1-related conditions. ClinVar contains an entry for this variant (Variation ID: 1198372). Invitae Evidence Modeling of protein sequence and biophysical properties (such as structural, functional, and spatial information, amino acid conservation, physicochemical variation, residue mobility, and thermodynamic stability) indicates that this missense variant is not expected to disrupt WFS1 protein function with a negative predictive value of 95%. In summary, the available evidence is currently insufficient to determine the role of this variant in disease. Therefore, it has been classified as a Variant of Uncertain Significance.

Ambry Genetics
Classification: Uncertain significance for Inborn genetic diseases. Last evaluated: 2022-01-26. Review status: criteria provided, single submitter. Criteria: Ambry Variant Classification Scheme 2023. Collection method: clinical testing. Allele origin: germline.

Fulgent Genetics
Classification: Uncertain significance for Cataract 41; Type 2 diabetes mellitus; Wolfram syndrome 1; Autosomal dominant nonsyndromic hearing loss 6; Wolfram-like syndrome. Last evaluated: 2021-12-15. Review status: criteria provided, single submitter. Criteria: ACMG Guidelines, 2015. Collection method: clinical testing. Allele origin: unknown.

GeneDx
Classification: Uncertain significance. Last evaluated: 2020-10-16. Review status: criteria provided, single submitter. Criteria: GeneDx Variant Classification Process June 2021. Collection method: clinical testing. Allele origin: germline. Affected: yes.
Comment: Not observed at a significant frequency in large population cohorts (Lek et al., 2016); In silico analysis supports that this missense variant does not alter protein structure/function; Has not been previously published as pathogenic or benign to our knowledge

NM_006005.3(WFS1):c.2251G>A (p.Glu751Lys)

Gene: WFS1 (wolframin ER transmembrane glycoprotein; plus strand). Cytogenetic location: 4p16.1.
Variant type: single nucleotide variant.
Coding change: c.2251G>A on transcript NM_006005.3 (MANE Select); coding-DNA position 2251, G replaced by A.
Protein change: p.Glu751Lys; replaces glutamic acid 751 with lysine.
Molecular consequence: missense variant.
Genome position (GRCh38, 1-based): chr4:6,302,046, G>A. VCF-style: chr4-6302046-G-A. GRCh37 (hg19) VCF-style: chr4-6303773-G-A.
Other names: c.2251G>A, p.Glu751Lys (NM_001145853.1); short protein forms E751K.
Identifiers: ClinVar variation 1198372 (VCV001198372.12), dbSNP rs147465252, ClinGen allele CA2839664.
Genomic context (GRCh38, chr4:6,302,046, plus strand): 5'-ATGCGCTGCCTCTACGGCGAGGCCTACCCTGCCTGCAGCCCTGGCAACACCTCCACGGCC[G>A]AGGAGGAGCTCTGTCGCCTTAAGCTGCTGGCCAAGCACCCCTGCCACATCAAGAAGTTCG-3'
Protein context (NP_005996.2, residues 741-761): ACSPGNTSTA[Glu751Lys]EELCRLKLLA